The following is an entry in ClinVar:

NM_000089.4(COL1A2):c.887C>A (p.Pro296His)

Gene: COL1A2 (collagen type I alpha 2 chain; plus strand). Cytogenetic location: 7q21.3.
Variant type: single nucleotide variant.
Coding change: c.887C>A on transcript NM_000089.4 (MANE Select); coding-DNA position 887, C replaced by A.
Protein change: p.Pro296His; replaces proline 296 with histidine.
Molecular consequence: missense variant.
Genome position (GRCh38, 1-based): chr7:94,409,416, C>A. VCF-style: chr7-94409416-C-A. GRCh37 (hg19) VCF-style: chr7-94038728-C-A.
Other names: short protein forms P296H.
Identifiers: ClinVar variation 2948722 (VCV002948722.3), dbSNP rs2484707777, ClinGen allele CA368220709.
Genomic context (GRCh38, chr7:94,409,416, plus strand): 5'-CTGGTCCCGCCGGTCCCCGTGGTGAAGTGGGTCTTCCAGGCCTCTCCGGCCCCGTTGGAC[C>A]TCCTGTAAGTAGCCACTGTCTTTAAACTTTATTGAGTAAAAGAAAACAAAGGTGGAGTAT-3'
Protein context (NP_000080.2, residues 286-306): GLPGLSGPVG[Pro296His]PGNPGANGLT

ClinVar aggregate classification (germline): Uncertain significance (1 of 4 stars; one submission).

Conditions:
Osteogenesis imperfecta type I (OI1). Also called: Lobstein disease; OI, TYPE I; OSTEOGENESIS IMPERFECTA TARDA; OSTEOGENESIS IMPERFECTA WITH BLUE SCLERAE; Osteogenesis imperfecta type 1; Lobstein's Disease. Identifiers: Orphanet 216796, Orphanet 666, MedGen C0023931, MONDO:0008146, OMIM 166200. Disease mechanism: loss of function.
Ehlers-Danlos syndrome, classic type, 1 (EDSCL1). Also called: EDS I; EHLERS-DANLOS SYNDROME, GRAVIS TYPE; EHLERS-DANLOS SYNDROME, SEVERE CLASSIC TYPE; Ehlers-Danlos syndrome, type 1; Ehlers-Danlos Syndrome, Classic Type, COL5A1-Related. Identifiers: MedGen C0268335, MONDO:0019567, OMIM 130000.

Submission:

Labcorp Genetics (formerly Invitae), Labcorp
Classification: Uncertain significance for Osteogenesis imperfecta type I; Ehlers-Danlos syndrome, classic type, 1. Last evaluated: 2023-08-01. Review status: criteria provided, single submitter. Criteria: Invitae Variant Classification Sherloc (09022015). Collection method: clinical testing. Allele origin: germline.
Comment: In summary, the available evidence is currently insufficient to determine the role of this variant in disease. Therefore, it has been classified as a Variant of Uncertain Significance. Advanced modeling of protein sequence and biophysical properties (such as structural, functional, and spatial information, amino acid conservation, physicochemical variation, residue mobility, and thermodynamic stability) has been performed at Invitae for this missense variant, however the output from this modeling did not meet the statistical confidence thresholds required to predict the impact of this variant on COL1A2 protein function. This missense change has been observed in individual(s) with Osteogenesis imperfecta (Invitae). This variant is not present in population databases (gnomAD no frequency). This sequence change replaces proline, which is neutral and non-polar, with histidine, which is basic and polar, at codon 296 of the COL1A2 protein (p.Pro296His).